The following is an entry in ClinVar:

NM_000539.3(RHO):c.315C>T (p.Phe105=)

Gene: RHO (rhodopsin; plus strand). Cytogenetic location: 3q22.1.
Variant type: single nucleotide variant.
Coding change: c.315C>T on transcript NM_000539.3 (MANE Select); coding-DNA position 315, C replaced by T.
Protein change: p.Phe105=; no amino-acid change (phenylalanine 105 retained).
Molecular consequence: synonymous variant.
Genome position (GRCh38, 1-based): chr3:129,529,048, C>T. VCF-style: chr3-129529048-C-T. GRCh37 (hg19) VCF-style: chr3-129247891-C-T.
Identifiers: ClinVar variation 1081517 (VCV001081517.11), dbSNP rs778173978, ClinGen allele CA2607109.

ClinVar aggregate classification (germline): Likely benign. Review status: criteria provided, multiple submitters, no conflicts (2 of 4 stars). 3 submissions from 3 submitters: Likely benign (3). Last evaluated 2025-12-03.

Conditions:
RHO-related disorder. Also called: RHO-related condition.

Allele frequency attached by ClinVar (database versions not stated): gnomAD exomes 0.00002 and 0.00006; TOPMed 0.00004; gnomAD 0.00005; ExAC 0.00008.
gnomAD v4.1: 41 of 1,613,242 alleles (0.0025%); highest among the groups gnomAD compares: East Asian, 0.045%; no homozygotes.

Submissions (3):

Labcorp Genetics (formerly Invitae), Labcorp
Classification: Likely benign. Last evaluated: 2025-12-03. Review status: criteria provided, single submitter. Criteria: Invitae Variant Classification Sherloc (09022015). Collection method: clinical testing. Allele origin: germline.

PreventionGenetics, part of Exact Sciences
Classification: Likely benign for RHO-related condition. Last evaluated: 2025-04-18. Review status: criteria provided, single submitter. Criteria: ACMG Guidelines, 2015. Collection method: clinical testing. Allele origin: germline.
Comment: This variant is classified as likely benign based on ACMG/AMP sequence variant interpretation guidelines (Richards et al. 2015 PMID: 25741868, with internal and published modifications).

Blueprint Genetics
Classification: Likely benign. Last evaluated: 2024-08-12. Review status: criteria provided, single submitter. Criteria: ACMG Guidelines, 2015. Collection method: clinical testing. Allele origin: germline.